The following is an entry in ClinVar:

ClinVar aggregate classification (germline): Benign (1 of 4 stars; one submission).

Allele frequency attached by ClinVar (database versions not stated): TOPMed 0.32213; gnomAD 0.32898; 1000 Genomes Project 30x 0.38257; 1000 Genomes Project 0.38838.
gnomAD v4.1: 476,105 of 1,535,014 alleles (31%); highest among the groups gnomAD compares: East Asian, 49%; 76,832 homozygotes.

Submission:

Unidad de Genómica Garrahan, Hospital de Pediatría Garrahan
Classification: Benign. Last evaluated: 2023-11-12. Review status: criteria provided, single submitter. Criteria: ACMG Guidelines, 2015. Collection method: clinical testing. Allele origin: germline. Affected: no. Observed: 30 variant alleles.
Comment: This variant is classified as Benign based on local population frequency. This variant was detected in 31% of patients studied by a panel of primary immunodeficiencies. Number of patients: 30. Only high quality variants are reported.

NM_001282933.2(ZNF341):c.2036-62G>A

Genes: ZNF341 (zinc finger protein 341; plus strand), ZNF341-AS1 (ZNF341 antisense RNA 1; minus strand). Cytogenetic location: 20q11.22.
Variant type: single nucleotide variant.
Coding change: c.2036-62G>A on transcript NM_001282933.2 (MANE Select); 62 bases into the intron before coding-DNA position 2036, G replaced by A.
Molecular consequence: intron variant.
Genome position (GRCh38, 1-based): chr20:33,790,926, G>A. VCF-style: chr20-33790926-G-A. GRCh37 (hg19) VCF-style: chr20-32378732-G-A.
Other names: c.2015-62G>A (NM_032819.5); c.1766-62G>A (NM_001282935.2).
Identifiers: ClinVar variation 2628236 (VCV002628236.2), dbSNP rs2747565, ClinGen allele CA14755382.